The following is an entry in ClinVar:

NM_001382391.1(CSPP1):c.1857_1860del (p.Lys619fs)

Gene: CSPP1 (centrosome and spindle pole associated protein 1; plus strand). Cytogenetic location: 8q13.2.
Variant type: Microsatellite.
Coding change: c.1857_1860del on transcript NM_001382391.1 (MANE Select); coding-DNA positions 1857 to 1860, 4 bases deleted (AGAA; older notation c.1857_1860delAGAA).
Protein change: p.Lys619fs; shifts the reading frame from lysine 619.
Molecular consequence: frameshift variant.
Genome position (GRCh38, 1-based): chr8:67,137,485-67,137,488, AGAA deleted; deleting any 4 consecutive bases within chr8:67,137,480-67,137,488 gives the same sequence; the c. name uses the placement nearest the transcript's 3' end. VCF-style (leftmost placement, unchanged base first): chr8-67137479-GAAGA-G. GRCh37 (hg19) VCF-style: chr8-68049714-GAAGA-G.
Other names: c.960_963del, p.Lys320fs (NM_001291339.2); c.1776_1779del, p.Lys592fs (NM_001363131.2); c.1815_1818del, p.Lys605fs (NM_001363132.2); c.1734_1737del, p.Lys578fs (NM_001363133.2); c.1923_1926del, p.Lys641fs (NM_001364869.1); c.1743_1746del, p.Lys581fs (NM_001364870.1); c.1838_1841AGAA[1], p.Lys614Asnfs (NM_024790.7); short protein forms K320fs, K578fs, K581fs, K592fs, K605fs, K614fs, K619fs, K641fs.
Identifiers: ClinVar variation 2421954 (VCV002421954.6), dbSNP rs1563653231, ClinGen allele CA582515909.
Genomic context (GRCh38, chr8:67,137,479, plus strand): 5'-GTCAGCGTTTATTTTAAATATATCTTATGTTGTCAAGATTCGGGAAAGAGAAGAAAGAAG[GAAGA>G]AAGAACGTGAAGAAAAAGAAGAATATGAAGCTAAATTAGAAGCTGAAATGAGAACATATA-3'

ClinVar aggregate classification (germline): Pathogenic (1 of 4 stars; one submission).

Conditions:
Joubert syndrome 21 (JBTS21). Identifiers: MedGen C3810212, MONDO:0014288, OMIM 615636.

Submission:

Labcorp Genetics (formerly Invitae), Labcorp
Classification: Pathogenic for Joubert syndrome 21. Last evaluated: 2023-07-10. Review status: criteria provided, single submitter. Criteria: Invitae Variant Classification Sherloc (09022015). Collection method: clinical testing. Allele origin: germline.
Comment: For these reasons, this variant has been classified as Pathogenic. ClinVar contains an entry for this variant (Variation ID: 2421954). This variant has not been reported in the literature in individuals affected with CSPP1-related conditions. The frequency data for this variant in the population databases is considered unreliable, as metrics indicate poor data quality at this position in the gnomAD database. This sequence change creates a premature translational stop signal (p.Lys614Asnfs*12) in the CSPP1 gene. It is expected to result in an absent or disrupted protein product. Loss-of-function variants in CSPP1 are known to be pathogenic (PMID: 24360807, 24360808).

Literature cited by the submitters: PubMed 24360807; PubMed 24360808.